The following is an entry in ClinVar:

NM_199420.4(POLQ):c.5429A>G (p.Gln1810Arg)

Gene: POLQ (DNA polymerase theta; minus strand). Cytogenetic location: 3q13.33.
Variant type: single nucleotide variant.
Coding change: c.5429A>G on transcript NM_199420.4 (MANE Select); coding-DNA position 5429, A replaced by G.
Protein change: p.Gln1810Arg; replaces glutamine 1810 with arginine.
Molecular consequence: missense variant.
Genome position (GRCh38, 1-based): chr3:121,487,502, T>C on the plus strand (A>G on the coding strand, the complement: POLQ is on the minus strand). VCF-style: chr3-121487502-T-C. GRCh37 (hg19) VCF-style: chr3-121206349-T-C.
Other names: short protein forms Q1810R.
Identifiers: ClinVar variation 3230060 (VCV003230060.1), dbSNP rs1304757581, ClinGen allele CA354090207.
Genomic context (GRCh38, chr3:121,487,502, plus strand): 5'-ACATCAATTATGGACAAACTTTCTGAACTGCTTGAGGCTGGAGTTAACTGTAATCCATCC[T>C]GTGATAACTGAAGTGAAAAGCTTGTGTCACTAATAGGGCTGTTGTCTTTGAACCCATTTC-3'
Protein context (NP_955452.3, residues 1800-1820): SDTSFSLQLS[Gln1810Arg]DGLQLTPASS

ClinVar aggregate classification (germline): Uncertain significance (1 of 4 stars; one submission).

Allele frequency attached by ClinVar (database versions not stated): TOPMed 0.00001.

Submission:

Ambry Genetics
Classification: Uncertain significance. Last evaluated: 2024-03-08. Review status: criteria provided, single submitter. Criteria: Ambry Variant Classification Scheme 2023. Collection method: clinical testing. Allele origin: germline.
Comment: The p.Q1810R variant (also known as c.5429A>G), located in coding exon 16 of the POLQ gene, results from an A to G substitution at nucleotide position 5429. The glutamine at codon 1810 is replaced by arginine, an amino acid with highly similar properties. This amino acid position is conserved. In addition, this alteration is predicted to be tolerated by in silico analysis. Based on the available evidence, the clinical significance of this alteration remains unclear.